The following is an entry in ClinVar:

NM_030777.4(SLC2A10):c.262G>A (p.Gly88Ser)

Gene: SLC2A10 (solute carrier family 2 member 10; plus strand). Cytogenetic location: 20q13.12.
Variant type: single nucleotide variant.
Coding change: c.262G>A on transcript NM_030777.4 (MANE Select); coding-DNA position 262, G replaced by A.
Protein change: p.Gly88Ser; replaces glycine 88 with serine.
Molecular consequence: missense variant.
Genome position (GRCh38, 1-based): chr20:46,725,298, G>A. VCF-style: chr20-46725298-G-A. GRCh37 (hg19) VCF-style: chr20-45353937-G-A.
Other names: short protein forms G88S.
Identifiers: ClinVar variation 3228068 (VCV003228068.1), dbSNP rs2515586943, ClinGen allele CA409266672.
Genomic context (GRCh38, chr20:46,725,298, plus strand): 5'-CTCATTGACTGCTATGGCAGGAAGCAAGCCATCCTCGGGAGCAACTTGGTGCTGCTGGCA[G>A]GCAGCCTGACCCTGGGCCTGGCTGGTTCCCTGGCCTGGCTGGTCCTGGGCCGCGCTGTGG-3'
Protein context (NP_110404.1, residues 78-98): ILGSNLVLLA[Gly88Ser]SLTLGLAGSL

ClinVar aggregate classification (germline): Uncertain significance (1 of 4 stars; one submission).

Conditions:
Familial thoracic aortic aneurysm and aortic dissection (TAAD). Also called: Thoracic aortic aneurysms and dissections. Identifiers: Orphanet 91387, MedGen C4707243, MONDO:0019625.

Allele frequency attached by ClinVar (database versions not stated): gnomAD exomes below 0.00001.
gnomAD v4.1: 2 of 1,614,162 alleles (0.00012%); highest among the groups gnomAD compares: South Asian, 0.0022%; no homozygotes.

Submission:

Ambry Genetics
Classification: Uncertain significance for Familial thoracic aortic aneurysm and aortic dissection. Last evaluated: 2023-12-11. Review status: criteria provided, single submitter. Criteria: Ambry Variant Classification Scheme 2023. Collection method: clinical testing. Allele origin: germline.
Comment: The p.G88S variant (also known as c.262G>A), located in coding exon 2 of the SLC2A10 gene, results from a G to A substitution at nucleotide position 262. The glycine at codon 88 is replaced by serine, an amino acid with similar properties. This amino acid position is conserved. In addition, the in silico prediction for this alteration is inconclusive. Since supporting evidence is limited at this time, the clinical significance of this alteration remains unclear.